The following is an entry in ClinVar:

ClinVar aggregate classification (germline): Benign. Review status: criteria provided, multiple submitters, no conflicts (2 of 4 stars). 2 submissions from 2 submitters: Benign (2). Last evaluated 2026-02-01.

Allele frequency attached by ClinVar (database versions not stated): gnomAD 0.00002 and 0.00106; ESP Exome Variant Server 0.00008; TOPMed 0.00016; gnomAD exomes 0.00150 and 0.00330; ExAC 0.00366; 1000 Genomes Project 0.00739; 1000 Genomes Project 30x 0.00796.
gnomAD v4.1: 2,378 of 1,614,010 alleles (0.15%); highest among the groups gnomAD compares: South Asian, 2.4%; 51 homozygotes.

Submissions (2):

Labcorp Genetics (formerly Invitae), Labcorp
Classification: Benign. Last evaluated: 2026-02-01. Review status: criteria provided, single submitter. Criteria: Invitae Variant Classification Sherloc (09022015). Collection method: clinical testing. Allele origin: germline.

Mayo Clinic Laboratories, Mayo Clinic
Classification: Benign. Last evaluated: 2024-12-26. Review status: criteria provided, single submitter. Criteria: ACMG Guidelines, 2015. Collection method: clinical testing. Allele origin: germline. Observed: 3 variant alleles.
Comment: BS1, BS2, BP4, BP7

NM_015665.6(AAAS):c.234G>A (p.Lys78=)

Gene: AAAS (aladin WD repeat nucleoporin; minus strand). Cytogenetic location: 12q13.13.
Variant type: single nucleotide variant.
Coding change: c.234G>A on transcript NM_015665.6 (MANE Select); coding-DNA position 234, G replaced by A.
Protein change: p.Lys78=; no amino-acid change (lysine 78 retained).
Molecular consequence: synonymous variant.
Genome position (GRCh38, 1-based): chr12:53,320,582, C>T on the plus strand (G>A on the coding strand, the complement: AAAS is on the minus strand). VCF-style: chr12-53320582-C-T. GRCh37 (hg19) VCF-style: chr12-53714366-C-T.
Other names: p.Lys78=; c.234G>A, p.Lys78= (NM_001173466.2).
Identifiers: ClinVar variation 309739 (VCV000309739.15), dbSNP rs145519240, ClinGen allele CA6599312.